The following is an entry in ClinVar:

ClinVar aggregate classification (germline): Uncertain significance (1 of 4 stars; one submission).

gnomAD v4.1: 11 of 1,612,284 alleles (0.00068%); highest among the groups gnomAD compares: Admixed American, 0.0033%; no homozygotes.

Submission:

Women's Health and Genetics/Laboratory Corporation of America, LabCorp
Classification: Uncertain significance. Last evaluated: 2026-04-14. Review status: criteria provided, single submitter. Criteria: LabCorp Variant Classification Summary - May 2015. Collection method: clinical testing. Allele origin: germline.
Comment: Variant summary: IGFALS c.971A>G (p.Asn324Ser) results in a conservative amino acid change in the encoded protein sequence. Algorithms developed to predict the effect of missense changes on protein structure and function are either unavailable or do not agree on the potential impact of this missense change. The variant allele was found at a frequency of 4e-06 in 248374 control chromosomes. The available data on variant occurrences in the general population are insufficient to allow any conclusion about variant significance. To our knowledge, no occurrence of c.971A>G in individuals affected with IGFALS-related conditions and no experimental evidence demonstrating its impact on protein function have been reported. No submitters have cited clinical-significance assessments for this variant to ClinVar. Based on the evidence outlined above, the variant was classified as uncertain significance.

NM_004970.3(IGFALS):c.971A>G (p.Asn324Ser)

Gene: IGFALS (insulin like growth factor binding protein acid labile subunit; minus strand). Cytogenetic location: 16p13.3.
Variant type: single nucleotide variant.
Coding change: c.971A>G on transcript NM_004970.3 (MANE Select); coding-DNA position 971, A replaced by G.
Protein change: p.Asn324Ser; replaces asparagine 324 with serine.
Molecular consequence: missense variant. On other transcripts: non-coding transcript variant (1).
Genome position (GRCh38, 1-based): chr16:1,791,447, T>C on the plus strand (A>G on the coding strand, the complement: IGFALS is on the minus strand). VCF-style: chr16-1791447-T-C. GRCh37 (hg19) VCF-style: chr16-1841448-T-C.
Other names: c.1085A>G, p.Asn362Ser (NM_001146006.2); short protein forms N324S, N362S.
Identifiers: ClinVar variation 4848594 (VCV004848594.1).
Genomic context (GRCh38, chr16:1,791,447, plus strand): 5'-GTGAGCACCTCAAGCTGCCCCAGGCCCTCAAAGCTGCGCTCAGCCAGCTGCCGGATGCGG[T>C]TGTGGCCCAGCTGCAGCTCCTCCAGGAAGTGCAGGTCCTTGAAGGTGCGGGGCCGCAGGC-3'
Protein context (NP_004961.1, residues 314-334): HFLEELQLGH[Asn324Ser]RIRQLAERSF